The following is an entry in ClinVar:

NM_004655.4(AXIN2):c.617A>G (p.Asn206Ser)

Gene: AXIN2 (axin 2; minus strand). Cytogenetic location: 17q24.1.
Variant type: single nucleotide variant.
Coding change: c.617A>G on transcript NM_004655.4 (MANE Select); coding-DNA position 617, A replaced by G.
Protein change: p.Asn206Ser; replaces asparagine 206 with serine.
Molecular consequence: missense variant.
Genome position (GRCh38, 1-based): chr17:65,558,004, T>C on the plus strand (A>G on the coding strand, the complement: AXIN2 is on the minus strand). VCF-style: chr17-65558004-T-C. GRCh37 (hg19) VCF-style: chr17-63554122-T-C.
Other names: c.617A>G, p.Asn206Ser (NM_001363813.1); short protein forms N206S.
Identifiers: ClinVar variation 2566125 (VCV002566125.2), dbSNP rs2544248914, ClinGen allele CA400680661.

ClinVar aggregate classification (germline): Uncertain significance (1 of 4 stars; one submission).

Conditions:
Hereditary cancer-predisposing syndrome. Also called: Neoplastic Syndromes, Hereditary; Hereditary Cancer Syndrome; Hereditary neoplastic syndrome; Tumor predisposition. Identifiers: Orphanet 140162, MedGen C0027672, MeSH D009386, MONDO:0015356.

Submission:

Ambry Genetics
Classification: Uncertain significance for Hereditary cancer-predisposing syndrome. Last evaluated: 2023-05-05. Review status: criteria provided, single submitter. Criteria: Ambry Variant Classification Scheme 2023. Collection method: clinical testing. Allele origin: germline.
Comment: The p.N206S variant (also known as c.617A>G), located in coding exon 1 of the AXIN2 gene, results from an A to G substitution at nucleotide position 617. The asparagine at codon 206 is replaced by serine, an amino acid with highly similar properties. This amino acid position is conserved. In addition, this alteration is predicted to be tolerated by in silico analysis. Since supporting evidence is limited at this time, the clinical significance of this alteration remains unclear.